The following is an entry in ClinVar:

ClinVar aggregate classification (germline): Benign (1 of 4 stars; one submission).

gnomAD v4.1: 16,723 of 1,610,680 alleles (1%); highest among the groups gnomAD compares: Non-Finnish European, 1.2%; 95 homozygotes.

Submission:

CeGaT Center for Human Genetics Tuebingen
Classification: Benign. Last evaluated: 2026-09-01. Review status: criteria provided, single submitter. Criteria: CeGaT Center For Human Genetics Tuebingen Variant Classification Criteria Version 2. Collection method: clinical testing. Allele origin: germline. Affected: yes. Observed: 13 variant alleles.
Comment: SNAPC4: BP4, BS1, BS2

NM_003086.4(SNAPC4):c.2940A>C (p.Arg980Ser)

Gene: SNAPC4 (small nuclear RNA activating complex polypeptide 4; minus strand). Cytogenetic location: 9q34.3.
Variant type: single nucleotide variant.
Coding change: c.2940A>C on transcript NM_003086.4 (MANE Select); coding-DNA position 2940, A replaced by C.
Protein change: p.Arg980Ser; replaces arginine 980 with serine.
Molecular consequence: missense variant.
Genome position (GRCh38, 1-based): chr9:136,378,887, T>G on the plus strand (A>C on the coding strand, the complement: SNAPC4 is on the minus strand). VCF-style: chr9-136378887-T-G. GRCh37 (hg19) VCF-style: chr9-139273339-T-G.
Other names: c.2940A>C, p.Arg980Ser (NM_001394201.1); c.2856A>C, p.Arg952Ser (NM_001394202.1, NM_001394203.1); short protein forms R952S, R980S.
Identifiers: ClinVar variation 3898076 (VCV003898076.7).